The following is an entry in ClinVar:

NM_001018115.3(FANCD2):c.3865C>T (p.Pro1289Ser)

Genes: FANCD2 (FA complementation group D2; plus strand), FANCD2OS (FANCD2 opposite strand; minus strand). Cytogenetic location: 3p25.3.
Variant type: single nucleotide variant.
Coding change: c.3865C>T on transcript NM_001018115.3 (MANE Select); coding-DNA position 3865, C replaced by T.
Protein change: p.Pro1289Ser; replaces proline 1289 with serine.
Molecular consequence: missense variant. On other transcripts: intron variant (2).
Genome position (GRCh38, 1-based): chr3:10,093,300, C>T. VCF-style: chr3-10093300-C-T. GRCh37 (hg19) VCF-style: chr3-10134984-C-T.
Other names: c.3865C>T, p.Pro1289Ser (NM_033084.6, NM_001319984.2); c.3850-989C>T (NM_001374254.1); c.*43+10898G>A (NM_173472.2); c.3754C>T, p.Pro1252Ser (NM_001374253.1); short protein forms P1252S, P1289S.
Identifiers: ClinVar variation 1327072 (VCV001327072.5), dbSNP rs781605384, ClinGen allele CA2250548.
Genomic context (GRCh38, chr3:10,093,300, plus strand): 5'-AAGGAGCAGATCTCAGCCTTGGTTTCTTGTCTTTCACCTCTCCAGGTATTTGATAGTCAT[C>T]CTGTTCTGCATGTATGTTTGAAGGTGAGAGATTTACTGGGCCCTGTTTCATATTTATTCT-3'
Protein context (NP_001018125.1, residues 1279-1299): INLIKVFDSH[Pro1289Ser]VLHVCLKYGR

ClinVar aggregate classification (germline): Uncertain significance. Review status: criteria provided, multiple submitters, no conflicts (2 of 4 stars). 2 submissions from 2 submitters: Uncertain significance (2). Last evaluated 2025-03-04.

Conditions:
Fanconi anemia complementation group D2. Also called: FANCD2-Related Fanconi Anemia; FANCONI PANCYTOPENIA, TYPE 4; FANCONI ANEMIA, COMPLEMENTATION GROUP D. Identifiers: Orphanet 84, MedGen C3160738, MONDO:0009214, OMIM 227646.

Allele frequency attached by ClinVar (database versions not stated): gnomAD exomes 0.00001 and 0.00002; ExAC 0.00001.
gnomAD v4.1: 9 of 1,613,528 alleles (0.00056%); highest among the groups gnomAD compares: Non-Finnish European, 0.00076%; no homozygotes.

Submissions (2):

Center for Genomic Medicine, Rigshospitalet, Copenhagen University Hospital
Classification: Uncertain significance. Last evaluated: 2025-03-04. Review status: criteria provided, single submitter. Criteria: ACMG Guidelines, 2015. Collection method: clinical testing. Allele origin: germline.

Baylor Genetics
Classification: Uncertain significance for Fanconi anemia complementation group D2. Last evaluated: 2021-08-24. Review status: criteria provided, single submitter. Criteria: ACMG Guidelines, 2015. Collection method: clinical testing. Allele origin: unknown. Affected: yes. Study: CSER-TexasKidsCanSeq.
Comment: This variant was determined to be of uncertain significance according to ACMG Guidelines, 2015 [PMID:25741868].